The following is an entry in ClinVar:

NM_001371623.1(TCOF1):c.583C>T (p.Gln195Ter)

Gene: TCOF1 (treacle ribosome biogenesis factor 1; plus strand). Cytogenetic location: 5q32.
Variant type: single nucleotide variant.
Coding change: c.583C>T on transcript NM_001371623.1 (MANE Select); coding-DNA position 583, C replaced by T.
Protein change: p.Gln195Ter; replaces glutamine 195 with a stop codon.
Molecular consequence: nonsense.
Genome position (GRCh38, 1-based): chr5:150,369,546, C>T. VCF-style: chr5-150369546-C-T. GRCh37 (hg19) VCF-style: chr5-149749109-C-T.
Other names: c.583C>T, p.Gln195Ter (NM_000356.4, NM_001008657.3, NM_001135243.2 and 3 more transcripts); short protein forms Q195*.
Identifiers: ClinVar variation 1705685 (VCV001705685.1), dbSNP rs2533127084, ClinGen allele CA361736360.

ClinVar aggregate classification (germline): Likely pathogenic (1 of 4 stars; one submission).

Conditions:
Treacher Collins syndrome 1 (TCS1). Also called: TCOF1-Related Treacher Collins Syndrome. Identifiers: Orphanet 861, MedGen CN315775, MONDO:0007944, OMIM 154500.

Submission:

3billion
Classification: Likely pathogenic for Treacher Collins syndrome 1. Last evaluated: 2022-09-01. Review status: criteria provided, single submitter. Criteria: ACMG Guidelines, 2015. Collection method: clinical testing. Allele origin: germline. Affected: yes. Observed: 1 heterozygote.
Comment: The variant is not observed in the gnomAD v2.1.1 dataset. Stop-gained (nonsense) is predicted to result in a loss or disruption of normal protein function through nonsense-mediated decay (NMD) or protein truncation. Multiple pathogenic variants are reported downstream of the variant. Therefore, this variant is classified as Likely pathogenic according to the recommendation of ACMG/AMP guideline.